The following is an entry in ClinVar:

NM_013382.7(POMT2):c.1733G>A (p.Arg578His)

Gene: POMT2 (protein O-mannosyltransferase 2; minus strand). Cytogenetic location: 14q24.3.
Variant type: single nucleotide variant.
Coding change: c.1733G>A on transcript NM_013382.7 (MANE Select); coding-DNA position 1733, G replaced by A.
Protein change: p.Arg578His; replaces arginine 578 with histidine.
Molecular consequence: missense variant.
Genome position (GRCh38, 1-based): chr14:77,280,073, C>T on the plus strand (G>A on the coding strand, the complement: POMT2 is on the minus strand). VCF-style: chr14-77280073-C-T. GRCh37 (hg19) VCF-style: chr14-77746416-C-T.
Other names: short protein forms R578H.
Identifiers: ClinVar variation 162601 (VCV000162601.5), dbSNP rs571330846, ClinGen allele CA295444.
Genomic context (GRCh38, chr14:77,280,073, plus strand): 5'-GCACTCACCGGGTTGCCAAGCAGATAGACTCGGAAATCTGTGTCATTGACCCCTGAGAAG[C>T]GTAGGCCCTGTGGAATAGAGACCACCCTGCTGACCCAGGCCCAGCCCATCCTCGGCCACA-3'
Protein context (NP_037514.2, residues 568-588): WHWPINYQGL[Arg578His]FSGVNDTDFR

ClinVar aggregate classification (germline): Uncertain significance. Review status: criteria provided, multiple submitters, no conflicts (2 of 4 stars). 2 submissions from 2 submitters: Uncertain significance (2). Last evaluated 2024-01-04.

Conditions:
Autosomal recessive limb-girdle muscular dystrophy type 2N. Also called: MUSCULAR DYSTROPHY-DYSTROGLYCANOPATHY, LIMB-GIRDLE, POMT2-RELATED; Muscular dystrophy-dystroglycanopathy (limb-girdle), type C, 2. Identifiers: Orphanet 206559, MedGen C3150418, MONDO:0013162, OMIM 613158.
Muscular dystrophy-dystroglycanopathy (congenital with brain and eye anomalies), type A2. Also called: MUSCULAR DYSTROPHY-DYSTROGLYCANOPATHY (CONGENITAL WITH BRAIN AND EYE ANOMALIES), TYPE A, 2; WALKER-WARBURG SYNDROME OR MUSCLE-EYE-BRAIN DISEASE, POMT2-RELATED. Identifiers: Orphanet 588, Orphanet 899, MedGen C3150411, MONDO:0013154, OMIM 613150.
Muscular dystrophy-dystroglycanopathy (congenital with impaired intellectual development), type B, 2. Also called: MUSCULAR DYSTROPHY, CONGENITAL, POMT2-RELATED; Muscular dystrophy-dystroglycanopathy (congenital with intellectual disability), type B2. Identifiers: MedGen C3150416, MONDO:0013160, OMIM 613156.

Allele frequency attached by ClinVar (database versions not stated): gnomAD exomes 0.00002 and 0.00005; TOPMed 0.00002; ExAC 0.00003; 1000 Genomes Project 30x 0.00016; 1000 Genomes Project 0.00020.
gnomAD v4.1: 35 of 1,613,846 alleles (0.0022%); highest among the groups gnomAD compares: Admixed American, 0.017%; no homozygotes.

Submissions (2):

Revvity Omics, Revvity
Classification: Uncertain significance. Last evaluated: 2024-01-04. Review status: criteria provided, single submitter. Criteria: ACMG Guidelines, 2015. Collection method: clinical testing. Allele origin: germline.

Labcorp Genetics (formerly Invitae), Labcorp
Classification: Uncertain significance for Muscular dystrophy-dystroglycanopathy (congenital with impaired intellectual development), type B, 2; Muscular dystrophy-dystroglycanopathy (congenital with brain and eye anomalies), type A2; Autosomal recessive limb-girdle muscular dystrophy type 2N. Last evaluated: 2022-08-15. Review status: criteria provided, single submitter. Criteria: Invitae Variant Classification Sherloc (09022015). Collection method: clinical testing. Allele origin: germline.
Comment: This sequence change replaces arginine, which is basic and polar, with histidine, which is basic and polar, at codon 578 of the POMT2 protein (p.Arg578His). This variant is present in population databases (rs571330846, gnomAD 0.01%). This variant has not been reported in the literature in individuals affected with POMT2-related conditions. ClinVar contains an entry for this variant (Variation ID: 162601). Algorithms developed to predict the effect of missense changes on protein structure and function output the following: SIFT: "Tolerated"; PolyPhen-2: "Benign"; Align-GVGD: "Class C0". The histidine amino acid residue is found in multiple mammalian species, which suggests that this missense change does not adversely affect protein function. In summary, the available evidence is currently insufficient to determine the role of this variant in disease. Therefore, it has been classified as a Variant of Uncertain Significance.